The following is an entry in ClinVar:

NM_001165963.4(SCN1A):c.5020G>C (p.Gly1674Arg)

Genes: SCN1A (sodium voltage-gated channel alpha subunit 1; minus strand), LOC102724058 (uncharacterized LOC102724058; plus strand). Cytogenetic location: 2q24.3.
Variant type: single nucleotide variant.
Coding change: c.5020G>C on transcript NM_001165963.4 (MANE Select); coding-DNA position 5020, G replaced by C.
Protein change: p.Gly1674Arg; replaces glycine 1674 with arginine.
Molecular consequence: missense variant. On other transcripts: non-coding transcript variant (1).
Genome position (GRCh38, 1-based): chr2:165,992,255, C>G on the plus strand (G>C on the coding strand, the complement: SCN1A is on the minus strand). VCF-style: chr2-165992255-C-G. GRCh37 (hg19) VCF-style: chr2-166848765-C-G.
Other names: c.4936G>C, p.Gly1646Arg (NM_001165964.3, NM_001353957.2, NM_001353958.2); c.5020G>C, p.Gly1674Arg (NM_001202435.3, NM_001353948.2); c.4987G>C, p.Gly1663Arg (NM_001353949.2, NM_001353950.2, NM_001353951.2 and 2 more transcripts); c.4984G>C, p.Gly1662Arg (NM_001353954.2, NM_001353955.2); c.4933G>C, p.Gly1645Arg (NM_001353960.2); c.2578G>C, p.Gly860Arg (NM_001353961.2); short protein forms G1663R, G1674R, G1645R, G1646R, G1662R, G860R.
Identifiers: ClinVar variation 68646 (VCV000068646.3), dbSNP rs121918792, ClinGen allele CA285201.

ClinVar aggregate classification (germline): not provided (0 of 4 stars; one submission).

Conditions:
Severe myoclonic epilepsy in infancy (DRVT). Also called: SEVERE MYOCLONIC EPILEPSY OF INFANCY; DEVELOPMENTAL AND EPILEPTIC ENCEPHALOPATHY 6A; Severe Myoclonic Epilepsy in Infancy (SMEI); Dravet syndrome; Epileptic encephalopathy, early infantile, 6 (Dravet syndrome). Identifiers: Orphanet 33069, MedGen C0751122, MONDO:0100135, OMIM 607208.

Submissions (2):

Channelopathy-Associated Epilepsy Research Center
No classification provided (evidence only). Condition: Severe myoclonic epilepsy in infancy. Review status: no classification provided. Collection method: literature only. Allele origin: not applicable. Functional consequence: Absence of peak current, Normal persistent current. Not counted in ClinVar's aggregate classification.
ClinVar note: "not provided" was previously submitted as the classification for the variant. However, the classification appeared to be based only on an observation of functional data so it was converted to no classification on 2025-07-30.

UniProtKB/Swiss-Prot
No classification provided. Condition: Severe myoclonic epilepsy in infancy. Review status: no classification provided. Collection method: not provided. Allele origin: not provided.

Literature cited by the submitters: PubMed 15263074 (cited by Channelopathy-Associated Epilepsy Research Center).